The following is an entry in ClinVar:

NM_001387430.1(SH2B1):c.242C>T (p.Ala81Val)

Gene: SH2B1 (SH2B adaptor protein 1; plus strand). Cytogenetic location: 16p11.2.
Variant type: single nucleotide variant.
Coding change: c.242C>T on transcript NM_001387430.1 (MANE Select); coding-DNA position 242, C replaced by T.
Protein change: p.Ala81Val; replaces alanine 81 with valine.
Molecular consequence: missense variant. On other transcripts: intron variant (1).
Genome position (GRCh38, 1-based): chr16:28,866,336, C>T. VCF-style: chr16-28866336-C-T. GRCh37 (hg19) VCF-style: chr16-28877657-C-T.
Other names: c.242C>T, p.Ala81Val (NM_001145795.2, NM_001145796.2, NM_001145797.2 and 4 more transcripts); c.-26-1038C>T (NM_001308294.2); short protein forms A81V.
Identifiers: ClinVar variation 3356361 (VCV003356361.2).

ClinVar aggregate classification (germline): Uncertain significance (1 of 4 stars; one submission).

Conditions:
SH2B1-related disorder. Also called: SH2B1-related condition.

gnomAD v4.1: 2 of 1,612,410 alleles (0.00012%); highest among the groups gnomAD compares: East Asian, 0.0022%; no homozygotes.

Submission:

PreventionGenetics, part of Exact Sciences
Classification: Uncertain significance for SH2B1-related condition. Last evaluated: 2025-11-25. Review status: criteria provided, single submitter. Criteria: ACMG Guidelines, 2015. Collection method: clinical testing. Allele origin: germline.
Comment: The SH2B1 c.242C>T variant is predicted to result in the amino acid substitution p.Ala81Val. To our knowledge, this variant has not been reported in the literature or in a large population database, indicating this variant is rare. At this time, the clinical significance of this variant is uncertain due to the absence of conclusive functional and genetic evidence.